The following is an entry in ClinVar:

ClinVar aggregate classification (germline): Uncertain significance (1 of 4 stars; one submission).

Conditions:
Congenital contractural arachnodactyly (CCA). Also called: BEALS SYNDROME; Beals-Hecht syndrome; Arthrogryposis, distal, type 9. Identifiers: Orphanet 115, MedGen C0220668, MONDO:0007363, OMIM 121050.

Submission:

Labcorp Genetics (formerly Invitae), Labcorp
Classification: Uncertain significance for Congenital contractural arachnodactyly. Last evaluated: 2025-01-22. Review status: criteria provided, single submitter. Criteria: Invitae Variant Classification Sherloc (09022015). Collection method: clinical testing. Allele origin: germline.
Comment: This sequence change replaces glutamine, which is neutral and polar, with arginine, which is basic and polar, at codon 493 of the FBN2 protein (p.Gln493Arg). This variant is not present in population databases (gnomAD no frequency). This variant has not been reported in the literature in individuals affected with FBN2-related conditions. Invitae Evidence Modeling of protein sequence and biophysical properties (such as structural, functional, and spatial information, amino acid conservation, physicochemical variation, residue mobility, and thermodynamic stability) indicates that this missense variant is not expected to disrupt FBN2 protein function with a negative predictive value of 80%. In summary, the available evidence is currently insufficient to determine the role of this variant in disease. Therefore, it has been classified as a Variant of Uncertain Significance.

NM_001999.4(FBN2):c.1478A>G (p.Gln493Arg)

Gene: FBN2 (fibrillin 2; minus strand). Cytogenetic location: 5q23.3.
Variant type: single nucleotide variant.
Coding change: c.1478A>G on transcript NM_001999.4 (MANE Select); coding-DNA position 1478, A replaced by G.
Protein change: p.Gln493Arg; replaces glutamine 493 with arginine.
Molecular consequence: missense variant.
Genome position (GRCh38, 1-based): chr5:128,392,143, T>C on the plus strand (A>G on the coding strand, the complement: FBN2 is on the minus strand). VCF-style: chr5-128392143-T-C. GRCh37 (hg19) VCF-style: chr5-127727836-T-C.
Other names: short protein forms Q493R.
Identifiers: ClinVar variation 3697067 (VCV003697067.2).